The following is an entry in ClinVar:

NM_016532.4(INPP5K):c.735C>T (p.Pro245=)

Gene: INPP5K (inositol polyphosphate-5-phosphatase K; minus strand). Cytogenetic location: 17p13.3.
Variant type: single nucleotide variant.
Coding change: c.735C>T on transcript NM_016532.4 (MANE Select); coding-DNA position 735, C replaced by T.
Protein change: p.Pro245=; no amino-acid change (proline 245 retained).
Molecular consequence: synonymous variant.
Genome position (GRCh38, 1-based): chr17:1,507,021, G>A on the plus strand (C>T on the coding strand, the complement: INPP5K is on the minus strand). VCF-style: chr17-1507021-G-A. GRCh37 (hg19) VCF-style: chr17-1410315-G-A.
Other names: c.507C>T, p.Pro169= (NM_001135642.2, NM_130766.3).
Identifiers: ClinVar variation 777023 (VCV000777023.42), dbSNP rs145033682, ClinGen allele CA8268499.

ClinVar aggregate classification (germline): Likely benign. Review status: criteria provided, multiple submitters, no conflicts (2 of 4 stars). 3 submissions from 3 submitters: Likely benign (3). Last evaluated 2026-09-01.

Allele frequency attached by ClinVar (database versions not stated): 1000 Genomes Project 0.00060; 1000 Genomes Project 30x 0.00062; ExAC 0.00115; ESP Exome Variant Server 0.00123; gnomAD exomes 0.00132 and 0.00260; gnomAD 0.00151 and 0.00155; TOPMed 0.00153.
gnomAD v4.1: 4,020 of 1,614,016 alleles (0.25%); highest among the groups gnomAD compares: Non-Finnish European, 0.32%; 8 homozygotes.

Submissions (3):

CeGaT Center for Human Genetics Tuebingen
Classification: Likely benign. Last evaluated: 2026-09-01. Review status: criteria provided, single submitter. Criteria: CeGaT Center For Human Genetics Tuebingen Variant Classification Criteria Version 2. Collection method: clinical testing. Allele origin: germline. Affected: yes. Observed: 9 variant alleles.
Comment: INPP5K: BP4, BP7

Blueprint Genetics
Classification: Likely benign. Last evaluated: 2024-11-27. Review status: criteria provided, single submitter. Criteria: ACMG Guidelines, 2015. Collection method: clinical testing. Allele origin: germline.

Labcorp Genetics (formerly Invitae), Labcorp
Classification: Likely benign. Last evaluated: 2019-12-31. Review status: criteria provided, single submitter. Criteria: Invitae Variant Classification Sherloc (09022015). Collection method: clinical testing. Allele origin: germline.